The following is an entry in ClinVar:

ClinVar aggregate classification (germline): Uncertain significance (1 of 4 stars; one submission).

Conditions:
Neuropathy, hereditary sensory, type 2C. Also called: Hereditary sensory and autonomic neuropathy type IIC; KIF1A-Related HSAN2 (HSAN2C). Identifiers: Orphanet 970, MedGen C3280168, MONDO:0013634, OMIM 614213.
Intellectual disability, autosomal dominant 9 (NESCAVS). Also called: NESCAV SYNDROME; KIF1A-Related Neurodevelopmental Disorder. Identifiers: Orphanet 662367, MedGen C5393830, MONDO:0013656, OMIM 614255.
Hereditary spastic paraplegia 30. Identifiers: Orphanet 101010, MedGen C5235139, MONDO:0012476.

Submission:

Labcorp Genetics (formerly Invitae), Labcorp
Classification: Uncertain significance for Hereditary spastic paraplegia 30; Neuropathy, hereditary sensory, type 2C; Intellectual disability, autosomal dominant 9. Last evaluated: 2023-04-22. Review status: criteria provided, single submitter. Criteria: Invitae Variant Classification Sherloc (09022015). Collection method: clinical testing. Allele origin: unknown.
Comment: In summary, the available evidence is currently insufficient to determine the role of this variant in disease. Therefore, it has been classified as a Variant of Uncertain Significance. This variant has not been reported in the literature in individuals affected with KIF1A-related conditions. This variant results in a copy number gain of the genomic region encompassing exon(s) 1-24 of the KIF1A gene. This region includes the initiator codon of the gene. This copy number gain extends beyond the assayed region for this gene and therefore may encompass additional genes. As the precise location of this event is unknown, it may be in tandem or it may be located elsewhere in the genome.

NC_000002.11:g.(?_241696754)_(241737169_?)dup

Gene: KIF1A (kinesin family member 1A; minus strand). Cytogenetic location: 2q37.3.
Variant type: Duplication.
Identifiers: ClinVar variation 3247232 (VCV003247232.1).